The following is an entry in ClinVar:

NM_001379110.1(SLC9A6):c.-20G>A

Gene: SLC9A6 (solute carrier family 9 member A6; plus strand). Cytogenetic location: Xq26.3.
Variant type: single nucleotide variant.
Coding change: c.-20G>A on transcript NM_001379110.1 (MANE Select); 20 bases upstream of the start codon, G replaced by A.
Molecular consequence: 5 prime UTR variant. On other transcripts: missense variant (2).
Genome position (GRCh38, 1-based): chrX:135,985,639, G>A. VCF-style: chrX-135985639-G-A. GRCh37 (hg19) VCF-style: chrX-135067798-G-A.
Other names: c.137G>A, p.Gly46Asp (NM_001042537.2, NM_006359.3); c.-20G>A (NM_001177651.2, NM_001330652.2); short protein forms G46D.
Identifiers: ClinVar variation 429629 (VCV000429629.14), dbSNP rs782736274, ClinGen allele CA10524597.
Genomic context (GRCh38, chrX:135,985,639, plus strand): 5'-GGCCCCTTTGGTTGCTCCTCGCAGTGGGCGTCTTTGACTGGGCAGGGGCTTCGGACGGCG[G>A]CGGCGGAGAGGCTAGAGCCATGGACGAGGAGATCGTGTCCGAGAAGCAAGCCGAGGAGAG-3'

ClinVar aggregate classification (germline): Uncertain significance. Review status: reviewed by expert panel (3 of 4 stars). 3 submissions from 3 submitters: Uncertain significance (1). 2 of the submissions do not count toward it. Last evaluated 2026-01-28.

Conditions:
Christianson syndrome (MRXSCH). Also called: X-linked mental retardation, syndromic, Christianson type; SLC9A6-Related Syndromic Mental Retardation; INTELLECTUAL DEVELOPMENTAL DISORDER, X-LINKED, SYNDROMIC, CHRISTIANSON TYPE. Identifiers: Orphanet 85278, MedGen C2678194, MONDO:0010278, OMIM 300243.

Allele frequency attached by ClinVar (database versions not stated): ExAC 0.00001.
gnomAD v4.1: 1 of 1,211,809 alleles (0.000083%); no homozygotes.

Submissions (3):

ClinGen Rett and Angelman-like Disorders Variant Curation Expert Panel
Classification: Uncertain significance for Christianson syndrome. Last evaluated: 2026-01-28. Review status: reviewed by expert panel. Criteria: ClinGen RettAS ACMG Specifications SLC9A6 V5.0.0. Collection method: curation. Allele origin: germline. Inheritance: X-linked inheritance.
Comment: However the variant is not present in one affected family member with autism and developmental delays (BS4_supporting). The p.Gly46Asp variant is also observed in at least 2 unaffected individuals (GeneDx- internal database) (BS2). The highest population minor allele frequency of the p.Gly46Asp variant in SLC9A6 in gnomAD v4.1 is 0.00002099 in the "Remaining" population, but does not reach the ClinGen Rett and Angelman-like Disorders VCEP threshold (≥0.0000083) for BS1 in any other single population (not sufficient to meet BS1 criteria). The computational predictor REVEL gives a score of 0.034, which is below the threshold of 0.290, evidence that does not predict a damaging effect on SLC9A6 function (BP4). In summary, the ClinGen Rett and Angelman-like Disorders VCEP classified this variant as a variant of uncertain significance based on the ACMG/AMP criteria (PS2, BS2, BS4_supporting, BP4). (SLC9A6 Specifications v.5.0; curation approved on 1/28/2026)

Labcorp Genetics (formerly Invitae), Labcorp
Classification: Uncertain significance for Christianson syndrome. Last evaluated: 2021-12-02. Review status: criteria provided, single submitter. Criteria: Invitae Variant Classification Sherloc (09022015). Collection method: clinical testing. Allele origin: germline. Not counted in ClinVar's aggregate classification.
Comment: In summary, the available evidence is currently insufficient to determine the role of this variant in disease. Therefore, it has been classified as a Variant of Uncertain Significance. Algorithms developed to predict the effect of missense changes on protein structure and function (SIFT, PolyPhen-2, Align-GVGD) all suggest that this variant is likely to be tolerated. ClinVar contains an entry for this variant (Variation ID: 429629). This variant has not been reported in the literature in individuals affected with SLC9A6-related conditions. This variant is present in population databases (rs782736274, gnomAD 0.001%). This sequence change replaces glycine, which is neutral and non-polar, with aspartic acid, which is acidic and polar, at codon 46 of the SLC9A6 protein (p.Gly46Asp).

GeneDx
Classification: Uncertain significance. Last evaluated: 2017-05-12. Review status: criteria provided, single submitter. Criteria: GeneDx Variant Classification (06012015). Collection method: clinical testing. Allele origin: germline. Affected: yes. Not counted in ClinVar's aggregate classification.
Comment: The G46D variant in the SLC9A6 gene has not been reported previously as a pathogenic variant, nor as a benign variant, to our knowledge. The G46D variant is observed in 1/47218 (0.002%) alleles from individuals of non-Finnish European background, in large population cohorts (Lek et al., 2016; 1000 Genomes Consortium et al., 2015; Exome Variant Server). The G46D variant is a non-conservative amino acid substitution, which is likely to impact secondary protein structure as these residues differ in polarity, charge, size and/or other properties. This substitution occurs at a position that is not conserved. In silico analysis is inconsistent in its predictions as to whether or not the variant is damaging to the protein structure/function. We interpret G46D as a variant of uncertain significance.